The following is an entry in ClinVar:

NM_006946.4(SPTBN2):c.6372C>A (p.Asp2124Glu)

Gene: SPTBN2 (spectrin beta, non-erythrocytic 2; minus strand). Cytogenetic location: 11q13.2.
Variant type: single nucleotide variant.
Coding change: c.6372C>A on transcript NM_006946.4 (MANE Select); coding-DNA position 6372, C replaced by A.
Protein change: p.Asp2124Glu; replaces aspartic acid 2124 with glutamic acid.
Molecular consequence: missense variant.
Genome position (GRCh38, 1-based): chr11:66,688,171, G>T on the plus strand (C>A on the coding strand, the complement: SPTBN2 is on the minus strand). VCF-style: chr11-66688171-G-T. GRCh37 (hg19) VCF-style: chr11-66455642-G-T.
Other names: c.6393C>A, p.Asp2131Glu (NM_001411025.1); short protein forms D2131E, D2124E.
Identifiers: ClinVar variation 2855205 (VCV002855205.3), dbSNP rs770289355, ClinGen allele CA381458731.
Genomic context (GRCh38, chr11:66,688,171, plus strand): 5'-AGTCCCTGGGTGGCCTGGGCTCAGCCGCCTCCTCCTACCCAGGCATCCTGGCTCTCACCC[G>T]TCCCAGGTGGTGTCAGAAGCTGTCTGGCCGCCCACCAGGTCCCCTGGAGGCACACTGGCT-3'
Protein context (NP_008877.2, residues 2114-2134): GGQTASDTTW[Asp2124Glu]GTQPRPPPST

ClinVar aggregate classification (germline): Uncertain significance (1 of 4 stars; one submission).

Submission:

Labcorp Genetics (formerly Invitae), Labcorp
Classification: Uncertain significance. Last evaluated: 2023-12-22. Review status: criteria provided, single submitter. Criteria: Invitae Variant Classification Sherloc (09022015). Collection method: clinical testing. Allele origin: germline.
Comment: This sequence change replaces aspartic acid, which is acidic and polar, with glutamic acid, which is acidic and polar, at codon 2124 of the SPTBN2 protein (p.Asp2124Glu). This variant is not present in population databases (gnomAD no frequency). This variant has not been reported in the literature in individuals affected with SPTBN2-related conditions. Algorithms developed to predict the effect of missense changes on protein structure and function output the following: SIFT: "Not Available"; PolyPhen-2: "Benign"; Align-GVGD: "Not Available". The glutamic acid amino acid residue is found in multiple mammalian species, which suggests that this missense change does not adversely affect protein function. In summary, the available evidence is currently insufficient to determine the role of this variant in disease. Therefore, it has been classified as a Variant of Uncertain Significance.